The following is an entry in ClinVar:

ClinVar aggregate classification (germline): other (0 of 4 stars; one submission).

Conditions:
Familial colorectal cancer. Identifiers: MedGen CN280943, MONDO:0023113. Disease mechanism: loss of function.

Submission:

Systems Biology Platform Zhejiang California International NanoSystems Institute
Classification: other for Familial colorectal cancer. Review status: no assertion criteria provided. Collection method: not provided. Allele origin: unknown.
ClinVar note: Converted during submission from cancer to other.

NC_000005.10:g.112851080A>T

Variant type: single nucleotide variant.
Genome position: GRCh38 VCF-style: chr5-112851080-A-T. GRCh37 (hg19) VCF-style: chr5-112186777-A-T.
Identifiers: ClinVar variation 82676 (VCV000082676.3), dbSNP rs78260346, ClinGen allele CA250816.